The following is an entry in ClinVar:

NM_000384.3(APOB):c.3109A>T (p.Thr1037Ser)

Gene: APOB (apolipoprotein B; minus strand). Cytogenetic location: 2p24.1.
Variant type: single nucleotide variant.
Coding change: c.3109A>T on transcript NM_000384.3 (MANE Select); coding-DNA position 3109, A replaced by T.
Protein change: p.Thr1037Ser; replaces threonine 1037 with serine.
Molecular consequence: missense variant.
Genome position (GRCh38, 1-based): chr2:21,019,004, T>A on the plus strand (A>T on the coding strand, the complement: APOB is on the minus strand). VCF-style: chr2-21019004-T-A. GRCh37 (hg19) VCF-style: chr2-21241876-T-A.
Other names: short protein forms T1037S.
Identifiers: ClinVar variation 5008451 (VCV005008451.1).

ClinVar aggregate classification (germline): Uncertain significance (1 of 4 stars; one submission).

Submission:

GeneDx
Classification: Uncertain significance. Last evaluated: 2026-03-05. Review status: criteria provided, single submitter. Criteria: GeneDx Variant Classification Process June 2021. Collection method: clinical testing. Allele origin: germline.
Comment: Not observed at significant frequency in large population cohorts (gnomAD); In silico analysis suggests that this missense variant does not alter protein structure/function; Has not been previously published as pathogenic or benign to our knowledge